The following is an entry in ClinVar:

NM_021098.3(CACNA1H):c.3547_3552dup (p.Ala1184_Ala1185insArgAla)

Gene: CACNA1H (calcium voltage-gated channel subunit alpha1 H; plus strand). Cytogenetic location: 16p13.3.
Variant type: Duplication.
Coding change: c.3547_3552dup on transcript NM_021098.3 (MANE Select); coding-DNA positions 3547 to 3552, 6 bases duplicated (AGGGCC; older notation c.3547_3552dupAGGGCC).
Protein change: p.Ala1184_Ala1185insArgAla.
Molecular consequence: inframe insertion.
Genome position (GRCh38, 1-based): chr16:1,209,215-1,209,220, AGGGCC duplicated; duplicating any 6 consecutive bases within chr16:1,209,214-1,209,220 gives the same sequence; the c. name uses the placement nearest the transcript's 3' end. VCF-style (leftmost placement, unchanged base first): chr16-1209213-G-GCAGGGC. GRCh37 (hg19) VCF-style: chr16-1259213-G-GCAGGGC.
Other names: c.3547_3552dup, p.Ala1184_Ala1185insArgAla (NM_001005407.2).
Identifiers: ClinVar variation 2949910 (VCV002949910.3), dbSNP rs2548690848, ClinGen allele CA2740096809.

ClinVar aggregate classification (germline): Uncertain significance (1 of 4 stars; one submission).

Conditions:
Idiopathic generalized epilepsy. Also called: EIG; Generalised epilepsy. Identifiers: MedGen C0270850, MONDO:0005579, OMIM 600669.
Hyperaldosteronism, familial, type IV (HALD4). Also called: FH IV; ALDOSTERONISM, PRIMARY, AND HYPERTENSION. Identifiers: Orphanet 642671, MedGen C4310756, MONDO:0014875, OMIM 617027.

Submission:

Labcorp Genetics (formerly Invitae), Labcorp
Classification: Uncertain significance for Idiopathic generalized epilepsy; Hyperaldosteronism, familial, type IV. Last evaluated: 2023-07-16. Review status: criteria provided, single submitter. Criteria: Invitae Variant Classification Sherloc (09022015). Collection method: clinical testing. Allele origin: germline.
Comment: In summary, the available evidence is currently insufficient to determine the role of this variant in disease. Therefore, it has been classified as a Variant of Uncertain Significance. This variant has not been reported in the literature in individuals affected with CACNA1H-related conditions. This variant is not present in population databases (gnomAD no frequency). This variant, c.3547_3552dup, results in the insertion of 2 amino acid(s) of the CACNA1H protein (p.Arg1183_Ala1184dup), but otherwise preserves the integrity of the reading frame.